The following is an entry in ClinVar:

NM_198578.4(LRRK2):c.7015A>G (p.Arg2339Gly)

Gene: LRRK2 (leucine rich repeat kinase 2; plus strand). Cytogenetic location: 12q12.
Variant type: single nucleotide variant.
Coding change: c.7015A>G on transcript NM_198578.4 (MANE Select); coding-DNA position 7015, A replaced by G.
Protein change: p.Arg2339Gly; replaces arginine 2339 with glycine.
Molecular consequence: missense variant.
Genome position (GRCh38, 1-based): chr12:40,359,431, A>G. VCF-style: chr12-40359431-A-G. GRCh37 (hg19) VCF-style: chr12-40753233-A-G.
Other names: short protein forms R2339G.
Identifiers: ClinVar variation 1804964 (VCV001804964.1), dbSNP rs2500012611, ClinGen allele CA384412142.

ClinVar aggregate classification (germline): Uncertain significance (1 of 4 stars; one submission).

Conditions:
Autosomal dominant Parkinson disease 8. Also called: LRRK2-Related Parkinson Disease; Parkinson disease 8; Parkinson disease 8, susceptibility to. Identifiers: Orphanet 411602, MedGen C1846862, MONDO:0011764, OMIM 607060.

Submission:

Victorian Clinical Genetics Services, Murdoch Childrens Research Institute
Classification: Uncertain significance for Autosomal dominant Parkinson disease 8. Last evaluated: 2022-02-02. Review status: criteria provided, single submitter. Criteria: ACMG Guidelines, 2015. Collection method: clinical testing. Allele origin: germline. Inheritance: Autosomal dominant inheritance. Affected: yes.
Comment: Based on the classification scheme VCGS_Germline_v1.3.4, this variant is classified as VUS-3C. Following criteria are met: 0101 - Gain of function is a known mechanism of disease in this gene and is associated with Parkinson disease 8 susceptibility (MIM#607060). Pathogenic missense variants have been shown to increase kinase activity, and consequently result in neurotoxicity (PMID: 17200152). (I) 0107 - This gene is associated with autosomal dominant disease. (I) 0200 - Variant is predicted to result in a missense amino acid change from arginine to glycine. (I) 0251 - This variant is heterozygous. (I) 0301 - Variant is absent from gnomAD (both v2 and v3). (SP) 0502 - Missense variant with conflicting in silico predictions and uninformative conservation. (I) 0604 - Variant is not located in an established domain, motif, hotspot or informative constraint region. (I) 0705 - No comparable missense variants have previous evidence for pathogenicity. (I) 0807 - This variant has no previous evidence of pathogenicity. (I) 0905 - No published segregation evidence has been identified for this variant. (I) 1007 - No published functional evidence has been identified for this variant. (I) Legend: (SP) - Supporting pathogenic, (I) - Information, (SB) - Supporting benign

Literature cited by the submitters: PubMed 17200152.